The following is an entry in ClinVar:

ClinVar aggregate classification (germline): Uncertain significance (1 of 4 stars; one submission).

Allele frequency attached by ClinVar (database versions not stated): TOPMed below 0.00001; ExAC 0.00001; gnomAD 0.00001; gnomAD exomes 0.00001.

Submission:

Labcorp Genetics (formerly Invitae), Labcorp
Classification: Uncertain significance. Last evaluated: 2022-11-15. Review status: criteria provided, single submitter. Criteria: Invitae Variant Classification Sherloc (09022015). Collection method: clinical testing. Allele origin: germline.
Comment: In summary, the available evidence is currently insufficient to determine the role of this variant in disease. Therefore, it has been classified as a Variant of Uncertain Significance. Algorithms developed to predict the effect of missense changes on protein structure and function are either unavailable or do not agree on the potential impact of this missense change (SIFT: "Deleterious"; PolyPhen-2: "Probably Damaging"; Align-GVGD: "Class C15"). ClinVar contains an entry for this variant (Variation ID: 1472980). This variant has not been reported in the literature in individuals affected with GPR45-related conditions. This variant is present in population databases (rs757594370, gnomAD 0.01%). This sequence change replaces serine, which is neutral and polar, with cysteine, which is neutral and slightly polar, at codon 290 of the GPR45 protein (p.Ser290Cys).

NM_007227.3(GPR45):c.869C>G (p.Ser290Cys)

Gene: GPR45 (G protein-coupled receptor 45; plus strand). Cytogenetic location: 2q12.1.
Variant type: single nucleotide variant.
Coding change: c.869C>G on transcript NM_007227.3 (MANE Select); coding-DNA position 869, C replaced by G.
Protein change: p.Ser290Cys; replaces serine 290 with cysteine.
Molecular consequence: missense variant.
Genome position (GRCh38, 1-based): chr2:105,242,727, C>G. VCF-style: chr2-105242727-C-G. GRCh37 (hg19) VCF-style: chr2-105859184-C-G.
Other names: short protein forms S290C.
Identifiers: ClinVar variation 1472980 (VCV001472980.6), dbSNP rs757594370, ClinGen allele CA1813663.